The following is an entry in ClinVar:

NM_003239.5(TGFB3):c.155G>A (p.Arg52Lys)

Gene: TGFB3 (transforming growth factor beta 3; minus strand). Cytogenetic location: 14q24.3.
Variant type: single nucleotide variant.
Coding change: c.155G>A on transcript NM_003239.5 (MANE Select); coding-DNA position 155, G replaced by A.
Protein change: p.Arg52Lys; replaces arginine 52 with lysine.
Molecular consequence: missense variant.
Genome position (GRCh38, 1-based): chr14:75,980,739, C>T on the plus strand (G>A on the coding strand, the complement: TGFB3 is on the minus strand). VCF-style: chr14-75980739-C-T. GRCh37 (hg19) VCF-style: chr14-76447082-C-T.
Other names: c.155G>A, p.Arg52Lys (NM_001329938.2, NM_001329939.2); short protein forms R52K.
Identifiers: ClinVar variation 1716131 (VCV001716131.6), dbSNP rs2035417379, ClinGen allele CA390471534.
Genomic context (GRCh38, chr14:75,980,739, plus strand): 5'-AGGGCCAGGACCTGATAGGGGACGTGGGTCATCACCGTTGGCTCAGGGGGGCTGGTGAGC[C>T]TGAGCTTGCTCAAGATCTGTCCCCTAATGGCTTCCACCCTCTTCTTCTTGATGTGGCCGA-3'
Protein context (NP_003230.1, residues 42-62): AIRGQILSKL[Arg52Lys]LTSPPEPTVM

ClinVar aggregate classification (germline): Uncertain significance (1 of 4 stars; one submission).

Conditions:
Rienhoff syndrome. Also called: LOEYS-DIETZ SYNDROME 5. Identifiers: MedGen C3810012, MONDO:0014262, OMIM 615582.

Submission:

Labcorp Genetics (formerly Invitae), Labcorp
Classification: Uncertain significance for Rienhoff syndrome. Last evaluated: 2024-04-25. Review status: criteria provided, single submitter. Criteria: Invitae Variant Classification Sherloc (09022015). Collection method: clinical testing. Allele origin: germline.
Comment: This sequence change replaces arginine, which is basic and polar, with lysine, which is basic and polar, at codon 52 of the TGFB3 protein (p.Arg52Lys). This variant is not present in population databases (gnomAD no frequency). This variant has not been reported in the literature in individuals affected with TGFB3-related conditions. ClinVar contains an entry for this variant (Variation ID: 1716131). Advanced modeling of protein sequence and biophysical properties (such as structural, functional, and spatial information, amino acid conservation, physicochemical variation, residue mobility, and thermodynamic stability) performed at Invitae indicates that this missense variant is not expected to disrupt TGFB3 protein function with a negative predictive value of 80%. In summary, the available evidence is currently insufficient to determine the role of this variant in disease. Therefore, it has been classified as a Variant of Uncertain Significance.